The following is an entry in ClinVar:

ClinVar aggregate classification (germline): Uncertain significance. Review status: criteria provided, multiple submitters, no conflicts (2 of 4 stars). 3 submissions from 3 submitters: Uncertain significance (3). Last evaluated 2026-10-01.

Conditions:
Shwachman-Diamond syndrome 2. Identifiers: MedGen C4693704, MONDO:0044205, OMIM 617941.

Allele frequency attached by ClinVar (database versions not stated): gnomAD exomes below 0.00001; ExAC 0.00001; gnomAD 0.00001; TOPMed 0.00002.
gnomAD v4.1: 8 of 1,614,046 alleles (0.0005%); highest among the groups gnomAD compares: Non-Finnish European, 0.00068%; no homozygotes.

Submissions (3):

St. Jude Molecular Pathology, St. Jude Children's Research Hospital
Classification: Uncertain significance for Shwachman-Diamond syndrome 2. Last evaluated: 2026-10-01. Review status: criteria provided, single submitter. Criteria: St. Jude Assertion Criteria 2020. Collection method: clinical testing. Allele origin: germline.
Comment: The EFL1 c.3208A>T p.(Thr1070Ser) missense change has a maximum subpopulation frequency of 0.006% in gnomAD v2.1.1. The in silico tool REVEL is inconclusive about a pathogenic or benign effect of this variant on protein function, and to our knowledge functional studies have not been performed. To our knowledge, this variant has not been reported in individuals with Shwachman-Diamond syndrome. In summary, the evidence currently available is insufficient to determine the clinical significance of this variant. It has therefore been classified as of uncertain significance.

Labcorp Genetics (formerly Invitae), Labcorp
Classification: Uncertain significance. Last evaluated: 2025-08-19. Review status: criteria provided, single submitter. Criteria: Invitae Variant Classification Sherloc (09022015). Collection method: clinical testing. Allele origin: germline.
Comment: This sequence change replaces threonine, which is neutral and polar, with serine, which is neutral and polar, at codon 1070 of the EFL1 protein (p.Thr1070Ser). This variant is present in population databases (rs745508211, gnomAD 0.007%). This variant has not been reported in the literature in individuals affected with EFL1-related conditions. ClinVar contains an entry for this variant (Variation ID: 1407148). Invitae Evidence Modeling of protein sequence and biophysical properties (such as structural, functional, and spatial information, amino acid conservation, physicochemical variation, residue mobility, and thermodynamic stability) has been performed for this missense variant. However, the output from this modeling did not meet the statistical confidence thresholds required to predict the impact of this variant on EFL1 protein function. In summary, the available evidence is currently insufficient to determine the role of this variant in disease. Therefore, it has been classified as a Variant of Uncertain Significance.

Blueprint Genetics
Classification: Uncertain significance. Last evaluated: 2020-05-04. Review status: criteria provided, single submitter. Criteria: ACMG Guidelines, 2015. Collection method: clinical testing. Allele origin: germline.

NM_024580.6(EFL1):c.3208A>T (p.Thr1070Ser)

Gene: EFL1 (elongation factor like GTPase 1; minus strand). Cytogenetic location: 15q25.2.
Variant type: single nucleotide variant.
Coding change: c.3208A>T on transcript NM_024580.6 (MANE Select); coding-DNA position 3208, A replaced by T.
Protein change: p.Thr1070Ser; replaces threonine 1070 with serine.
Molecular consequence: missense variant. On other transcripts: non-coding transcript variant (1).
Genome position (GRCh38, 1-based): chr15:82,130,528, T>A on the plus strand (A>T on the coding strand, the complement: EFL1 is on the minus strand). VCF-style: chr15-82130528-T-A. GRCh37 (hg19) VCF-style: chr15-82422869-T-A.
Other names: c.3055A>T, p.Thr1019Ser (NM_001040610.3); c.2419A>T, p.Thr807Ser (NM_001322844.2); c.3208A>T, p.Thr1070Ser (NM_001322845.2); short protein forms T807S, T1070S, T1019S.
Identifiers: ClinVar variation 1407148 (VCV001407148.8), dbSNP rs745508211, ClinGen allele CA7697602.